The following is an entry in ClinVar:

ClinVar aggregate classification (germline): Uncertain significance. Review status: criteria provided, multiple submitters, no conflicts (2 of 4 stars). 2 submissions from 2 submitters: Uncertain significance (2). Last evaluated 2023-03-18.

Conditions:
Inborn genetic diseases. Identifiers: MedGen C0950123, MeSH D030342.

Allele frequency attached by ClinVar (database versions not stated): gnomAD exomes below 0.00001.
gnomAD v4.1: 1 of 1,613,522 alleles (0.000062%); highest among the groups gnomAD compares: Non-Finnish European, 0.000085%; no homozygotes.

Submissions (2):

Ambry Genetics
Classification: Uncertain significance for Inborn genetic diseases. Last evaluated: 2023-03-18. Review status: criteria provided, single submitter. Criteria: Ambry Variant Classification Scheme 2023. Collection method: clinical testing. Allele origin: germline.
Comment: The p.A157T variant (also known as c.469G>A), located in coding exon 5 of the RAD51 gene, results from a G to A substitution at nucleotide position 469. The alanine at codon 157 is replaced by threonine, an amino acid with similar properties. This amino acid position is conserved. In addition, the in silico prediction for this alteration is inconclusive. Since supporting evidence is limited at this time, the clinical significance of this alteration remains unclear.

Labcorp Genetics (formerly Invitae), Labcorp
Classification: Uncertain significance. Last evaluated: 2022-08-16. Review status: criteria provided, single submitter. Criteria: Invitae Variant Classification Sherloc (09022015). Collection method: clinical testing. Allele origin: germline.
Comment: In summary, the available evidence is currently insufficient to determine the role of this variant in disease. Therefore, it has been classified as a Variant of Uncertain Significance. Algorithms developed to predict the effect of missense changes on protein structure and function (SIFT, PolyPhen-2, Align-GVGD) all suggest that this variant is likely to be tolerated. This variant has not been reported in the literature in individuals affected with RAD51-related conditions. This variant is not present in population databases (gnomAD no frequency). This sequence change replaces alanine, which is neutral and non-polar, with threonine, which is neutral and polar, at codon 157 of the RAD51 protein (p.Ala157Thr).

NM_002875.5(RAD51):c.469G>A (p.Ala157Thr)

Gene: RAD51 (RAD51 recombinase; plus strand). Cytogenetic location: 15q15.1.
Variant type: single nucleotide variant.
Coding change: c.469G>A on transcript NM_002875.5 (MANE Select); coding-DNA position 469, G replaced by A.
Protein change: p.Ala157Thr; replaces alanine 157 with threonine.
Molecular consequence: missense variant.
Genome position (GRCh38, 1-based): chr15:40,718,838, G>A. VCF-style: chr15-40718838-G-A. GRCh37 (hg19) VCF-style: chr15-41011036-G-A.
Other names: c.472G>A, p.Ala158Thr (NM_001164269.2, NM_133487.4); c.469G>A, p.Ala157Thr (NM_001164270.2); c.469G>A (NM_002875.4); short protein forms A158T, A157T.
Identifiers: ClinVar variation 2121206 (VCV002121206.6), dbSNP rs2504485909, ClinGen allele CA391753366.